The following is an entry in ClinVar:

NM_001267550.2(TTN):c.81281dup (p.His27094fs)

Genes: TTN-AS1 (TTN antisense RNA 1; plus strand), TTN (titin; minus strand). Cytogenetic location: 2q31.2.
Variant type: Duplication.
Coding change: c.81281dup on transcript NM_001267550.2 (MANE Select); coding-DNA position 81281, one base duplicated (A; older notation c.81281dupA).
Protein change: p.His27094fs; shifts the reading frame from histidine 27094.
Molecular consequence: frameshift variant.
Genome position (GRCh38, 1-based): chr2:178,564,851, T duplicated on the plus strand (A on the coding strand, the reverse complement: TTN is on the minus strand). VCF-style (leftmost placement, unchanged base first): chr2-178564850-A-AT. GRCh37 (hg19) VCF-style: chr2-179429577-A-AT.
Other names: c.76358dup, p.His25453fs (NM_001256850.1); c.54086dup, p.His18029fs (NM_003319.4); c.73577dup, p.His24526fs (NM_133378.4); c.54461dup, p.His18154fs (NM_133432.3); c.54662dup, p.His18221fs (NM_133437.4); short protein forms H27094fs, H18029fs, H18221fs, H25453fs, H18154fs, H24526fs.
Identifiers: ClinVar variation 2070495 (VCV002070495.4), dbSNP rs2468222768, ClinGen allele CA2580064789.

ClinVar aggregate classification (germline): Likely pathogenic (1 of 4 stars; one submission).

Conditions:
Dilated cardiomyopathy 1G (CMD1G). Identifiers: Orphanet 154, MedGen C1858763, MONDO:0011400, OMIM 604145.
Autosomal recessive limb-girdle muscular dystrophy type 2J (LGMDR10). Also called: Limb-girdle muscular dystrophy, type 2J; MUSCULAR DYSTROPHY, LIMB-GIRDLE, AUTOSOMAL RECESSIVE 10. Identifiers: Orphanet 140922, MedGen C1837342, MONDO:0012127, OMIM 608807.

Submission:

Labcorp Genetics (formerly Invitae), Labcorp
Classification: Likely pathogenic for Dilated cardiomyopathy 1G; Autosomal recessive limb-girdle muscular dystrophy type 2J. Last evaluated: 2023-04-25. Review status: criteria provided, single submitter. Criteria: Invitae Variant Classification Sherloc (09022015). Collection method: clinical testing. Allele origin: germline.
Comment: This variant is not present in population databases (gnomAD no frequency). In summary, the currently available evidence indicates that the variant is pathogenic, but additional data are needed to prove that conclusively. Therefore, this variant has been classified as Likely Pathogenic. This variant is located in the A band of TTN (PMID: 25589632). Truncating variants in this region are significantly overrepresented in patients affected with dilated cardiomyopathy (PMID: 25589632). Truncating variants in this region have also been reported in individuals affected with autosomal recessive centronuclear myopathy (PMID: 23975875). ClinVar contains an entry for this variant (Variation ID: 2070495). This premature translational stop signal has been observed in individual(s) with clinical features of TTN-related conditions (Invitae). This sequence change creates a premature translational stop signal (p.His27094Glnfs*2) in the TTN gene. While this is not anticipated to result in nonsense mediated decay, it is expected to create a truncated TTN protein.

Literature cited by the submitters: PubMed 25589632; PubMed 23975875.